The following is an entry in ClinVar:

ClinVar aggregate classification (germline): Likely pathogenic (1 of 4 stars; one submission).

Conditions:
Combined oxidative phosphorylation defect type 8. Also called: CARDIOMYOPATHY, HYPERTROPHIC MITOCHONDRIAL, FATAL INFANTILE. Identifiers: Orphanet 319504, MedGen C4518839, MONDO:0013570, OMIM 614096.
Leukoencephalopathy, progressive, with ovarian failure (LKENP). Identifiers: Orphanet 99853, MedGen C4014588, MONDO:0014387, OMIM 615889.

gnomAD v4.1: 5 of 1,613,962 alleles (0.00031%); highest among the groups gnomAD compares: African/African-American, 0.0013%; no homozygotes.

Submission:

Juno Genomics, Hangzhou Juno Genomics, Inc
Classification: Likely pathogenic for Combined oxidative phosphorylation defect type 8; Leukoencephalopathy, progressive, with ovarian failure. Review status: criteria provided, single submitter. Criteria: ACMG Guidelines, 2015. Collection method: clinical testing. Allele origin: germline. Affected: yes.
Comment: Absent from controls (or at extremely low frequency if recessive) in Genome Aggregation Database.;Multiple lines of computational evidence support a deleterious effect on the gene or gene product.;For recessive disorders, detected in trans with a pathogenic variant.;Patient's phenotype or family history is highly specific for a disease with a single genetic etiology.;Located in a mutational hot spot and/or critical and well-established functional domain without benign variation.

NM_020745.4(AARS2):c.665C>T (p.Thr222Ile)

Gene: AARS2 (alanyl-tRNA synthetase 2, mitochondrial; minus strand). Cytogenetic location: 6p21.1.
Variant type: single nucleotide variant.
Coding change: c.665C>T on transcript NM_020745.4 (MANE Select); coding-DNA position 665, C replaced by T.
Protein change: p.Thr222Ile; replaces threonine 222 with isoleucine.
Molecular consequence: missense variant.
Genome position (GRCh38, 1-based): chr6:44,311,078, G>A on the plus strand (C>T on the coding strand, the complement: AARS2 is on the minus strand). VCF-style: chr6-44311078-G-A. GRCh37 (hg19) VCF-style: chr6-44278815-G-A.
Other names: short protein forms T222I.
Identifiers: ClinVar variation 5019524 (VCV005019524.1).